The following is an entry in ClinVar:

ClinVar aggregate classification (germline): Uncertain significance. Review status: criteria provided, multiple submitters, no conflicts (2 of 4 stars). 2 submissions from 2 submitters: Uncertain significance (2). Last evaluated 2024-10-19.

Conditions:
Inborn genetic diseases. Identifiers: MedGen C0950123, MeSH D030342.

Submissions (2):

Ambry Genetics
Classification: Uncertain significance for Inborn genetic diseases. Last evaluated: 2024-10-19. Review status: criteria provided, single submitter. Criteria: Ambry Variant Classification Scheme 2023. Collection method: clinical testing. Allele origin: germline.

Labcorp Genetics (formerly Invitae), Labcorp
Classification: Uncertain significance. Last evaluated: 2021-12-24. Review status: criteria provided, single submitter. Criteria: Invitae Variant Classification Sherloc (09022015). Collection method: clinical testing. Allele origin: germline.
Comment: This sequence change replaces proline, which is neutral and non-polar, with serine, which is neutral and polar, at codon 468 of the SLC7A9 protein (p.Pro468Ser). This variant is not present in population databases (gnomAD no frequency). This variant has not been reported in the literature in individuals affected with SLC7A9-related conditions. Algorithms developed to predict the effect of missense changes on protein structure and function are either unavailable or do not agree on the potential impact of this missense change (SIFT: "Tolerated"; PolyPhen-2: "Possibly Damaging"; Align-GVGD: "Class C0"). In summary, the available evidence is currently insufficient to determine the role of this variant in disease. Therefore, it has been classified as a Variant of Uncertain Significance.

NM_014270.5(SLC7A9):c.1402C>T (p.Pro468Ser)

Gene: SLC7A9 (solute carrier family 7 member 9; minus strand). Cytogenetic location: 19q13.11.
Variant type: single nucleotide variant.
Coding change: c.1402C>T on transcript NM_014270.5 (MANE Select); coding-DNA position 1402, C replaced by T.
Protein change: p.Pro468Ser; replaces proline 468 with serine.
Molecular consequence: missense variant.
Genome position (GRCh38, 1-based): chr19:32,830,682, G>A on the plus strand (C>T on the coding strand, the complement: SLC7A9 is on the minus strand). VCF-style: chr19-32830682-G-A. GRCh37 (hg19) VCF-style: chr19-33321588-G-A.
Other names: c.1402C>T (NM_014270.4); c.1402C>T, p.Pro468Ser (NM_001126335.2, NM_001243036.2); short protein forms P468S.
Identifiers: ClinVar variation 1978501 (VCV001978501.5), dbSNP rs2513534240, ClinGen allele CA405196036.